The following is an entry in ClinVar:

ClinVar aggregate classification (germline): Uncertain significance (1 of 4 stars; one submission).

Conditions:
Hereditary cancer-predisposing syndrome. Also called: Hereditary neoplastic syndrome; Hereditary Cancer Syndrome; Neoplastic Syndromes, Hereditary; Tumor predisposition. Identifiers: Orphanet 140162, MedGen C0027672, MeSH D009386, MONDO:0015356.

Submission:

Color Diagnostics, LLC DBA Color Health
Classification: Uncertain significance for Hereditary cancer-predisposing syndrome. Last evaluated: 2024-03-06. Review status: criteria provided, single submitter. Criteria: ACMG Guidelines, 2015. Collection method: clinical testing. Allele origin: germline.
Comment: This missense variant replaces aspartic acid with glutamic acid at codon 520 of the ATM protein. Computational prediction suggests that this variant may not impact protein structure and function (internally defined REVEL score threshold <= 0.5, PMID: 27666373). To our knowledge, functional studies have not been reported for this variant. This variant has not been reported in individuals affected with hereditary cancer in the literature. This variant has not been identified in the general population by the Genome Aggregation Database (gnomAD). The available evidence is insufficient to determine the role of this variant in disease conclusively. Therefore, this variant is classified as a Variant of Uncertain Significance.

NM_000051.4(ATM):c.1560C>G (p.Asp520Glu)

Gene: ATM (ATM serine/threonine kinase; plus strand). Cytogenetic location: 11q22.3.
Variant type: single nucleotide variant.
Coding change: c.1560C>G on transcript NM_000051.4 (MANE Select); coding-DNA position 1560, C replaced by G.
Protein change: p.Asp520Glu; replaces aspartic acid 520 with glutamic acid.
Molecular consequence: missense variant.
Genome position (GRCh38, 1-based): chr11:108,251,025, C>G. VCF-style: chr11-108251025-C-G. GRCh37 (hg19) VCF-style: chr11-108121752-C-G.
Other names: c.1560C>G, p.Asp520Glu (NM_001351834.2); short protein forms D520E.
Identifiers: ClinVar variation 2774135 (VCV002774135.2), dbSNP rs1591524777, ClinGen allele CA382534355.